The following is an entry in ClinVar:

NM_007294.4(BRCA1):c.52A>T (p.Met18Leu)

Gene: BRCA1 (BRCA1 DNA repair associated; minus strand). Cytogenetic location: 17q21.31.
Variant type: single nucleotide variant.
Coding change: c.52A>T on transcript NM_007294.4 (MANE Select); coding-DNA position 52, A replaced by T.
Protein change: p.Met18Leu; replaces methionine 18 with leucine.
Molecular consequence: missense variant. On other transcripts: 5 prime UTR variant (1), non-coding transcript variant (1).
Genome position (GRCh38, 1-based): chr17:43,124,045, T>A on the plus strand (A>T on the coding strand, the complement: BRCA1 is on the minus strand). VCF-style: chr17-43124045-T-A. GRCh37 (hg19) VCF-style: chr17-41276062-T-A.
Other names: c.-137A>T (NM_001407571.1, NM_001407853.1, NM_001407879.1 and 46 more transcripts); c.52A>T, p.Met18Leu (NM_001407581.1, NM_001407582.1, NM_001407583.1 and 193 more transcripts); c.-209A>T (NM_001407725.1, NM_001407730.1, NM_001407734.1 and 22 more transcripts); c.-155A>T (NM_001407726.1, NM_001407751.1); c.-206A>T (NM_001407727.1, NM_001407731.1, NM_001407733.1 and 11 more transcripts); c.-36A>T (NM_001407732.1, NM_001407736.1, NM_001407738.1 and 23 more transcripts); c.-213A>T (NM_001407741.1, NM_001407934.1, NM_001408497.1); c.-86A>T (NM_001407841.1); and 8 more; short protein forms M18L.
Identifiers: ClinVar variation 865043 (VCV000865043.3), dbSNP rs2055727017, ClinGen allele CA10602053.

Conditions:
Breast-ovarian cancer, familial, susceptibility to, 1 (BROVCA1). Also called: BRCA1 Hereditary Breast and Ovarian Cancer; OVARIAN CANCER, SUSCEPTIBILITY TO. Identifiers: Orphanet 145, MedGen C2676676, MONDO:0011450, OMIM 604370. Disease mechanism: loss of function.

Submission:

Brotman Baty Institute, University of Washington
No classification provided (evidence only). Condition: Breast-ovarian cancer, familial 1. Review status: no classification provided. Collection method: in vitro. Allele origin: not applicable. Functional consequence: functionally_normal.
ClinVar note: "not provided" was previously submitted as the classification for the variant. However, the classification appeared to be based only on an observation of functional data so it was converted to no classification on 2025-07-30.